The following is an entry in ClinVar:

ClinVar aggregate classification (germline): Uncertain significance (1 of 4 stars; one submission).

Conditions:
Inborn genetic diseases. Identifiers: MedGen C0950123, MeSH D030342.

Submission:

Ambry Genetics
Classification: Uncertain significance for Inborn genetic diseases. Last evaluated: 2024-05-06. Review status: criteria provided, single submitter. Criteria: Ambry Variant Classification Scheme 2023. Collection method: clinical testing. Allele origin: germline.
Comment: The p.V1581G variant (also known as c.4742T>G), located in coding exon 27 of the ATR gene, results from a T to G substitution at nucleotide position 4742. The valine at codon 1581 is replaced by glycine, an amino acid with dissimilar properties. This amino acid position is conserved. In addition, this alteration is predicted to be deleterious by in silico analysis. Based on the available evidence, the clinical significance of this variant remains unclear.

NM_001184.4(ATR):c.4742T>G (p.Val1581Gly)

Gene: ATR (ATR serine/threonine kinase; minus strand). Cytogenetic location: 3q23.
Variant type: single nucleotide variant.
Coding change: c.4742T>G on transcript NM_001184.4 (MANE Select); coding-DNA position 4742, T replaced by G.
Protein change: p.Val1581Gly; replaces valine 1581 with glycine.
Molecular consequence: missense variant.
Genome position (GRCh38, 1-based): chr3:142,512,370, A>C on the plus strand (T>G on the coding strand, the complement: ATR is on the minus strand). VCF-style: chr3-142512370-A-C. GRCh37 (hg19) VCF-style: chr3-142231212-A-C.
Other names: c.4550T>G, p.Val1517Gly (NM_001354579.2); short protein forms V1517G, V1581G.
Identifiers: ClinVar variation 3331853 (VCV003331853.1).